The following is an entry in ClinVar:

NM_001287.6(CLCN7):c.258C>G (p.Asn86Lys)

Gene: CLCN7 (chloride voltage-gated channel 7; minus strand). Cytogenetic location: 16p13.3.
Variant type: single nucleotide variant.
Coding change: c.258C>G on transcript NM_001287.6 (MANE Select); coding-DNA position 258, C replaced by G.
Protein change: p.Asn86Lys; replaces asparagine 86 with lysine.
Molecular consequence: missense variant.
Genome position (GRCh38, 1-based): chr16:1,461,630, G>C on the plus strand (C>G on the coding strand, the complement: CLCN7 is on the minus strand). VCF-style: chr16-1461630-G-C. GRCh37 (hg19) VCF-style: chr16-1511631-G-C.
Other names: c.186C>G, p.Asn62Lys (NM_001114331.3); short protein forms N86K, N62K.
Identifiers: ClinVar variation 1992766 (VCV001992766.4), dbSNP rs539519239, ClinGen allele CA394193199.
Genomic context (GRCh38, chr16:1,461,630, plus strand): 5'-GTCTCAGGGTCAGGGGGACAGAAGGACGCCCACCTCATACTTGAGGGACAGGAGCTTCTC[G>C]TTGTGTGGGATCTCCTTGGGGAAGGGATGTGGAGGGTCCATATCCTGTGGCAGAAAAAGG-3'
Protein context (NP_001278.1, residues 76-96): PHPFPKEIPH[Asn86Lys]EKLLSLKYES

ClinVar aggregate classification (germline): Uncertain significance (1 of 4 stars; one submission).

gnomAD v4.1: 3 of 1,614,148 alleles (0.00019%); highest among the groups gnomAD compares: Non-Finnish European, 0.00025%; no homozygotes.

Submission:

Labcorp Genetics (formerly Invitae), Labcorp
Classification: Uncertain significance. Last evaluated: 2022-05-10. Review status: criteria provided, single submitter. Criteria: Invitae Variant Classification Sherloc (09022015). Collection method: clinical testing. Allele origin: germline.
Comment: This variant has not been reported in the literature in individuals affected with CLCN7-related conditions. Advanced modeling of protein sequence and biophysical properties (such as structural, functional, and spatial information, amino acid conservation, physicochemical variation, residue mobility, and thermodynamic stability) performed at Invitae indicates that this missense variant is not expected to disrupt CLCN7 protein function. In summary, the available evidence is currently insufficient to determine the role of this variant in disease. Therefore, it has been classified as a Variant of Uncertain Significance. This sequence change replaces asparagine, which is neutral and polar, with lysine, which is basic and polar, at codon 86 of the CLCN7 protein (p.Asn86Lys). This variant is not present in population databases (gnomAD no frequency).